The following is an entry in ClinVar:

NM_001122764.3(PPOX):c.590T>C (p.Ile197Thr)

Gene: PPOX (protoporphyrinogen oxidase; plus strand). Cytogenetic location: 1q23.3.
Variant type: single nucleotide variant.
Coding change: c.590T>C on transcript NM_001122764.3 (MANE Select); coding-DNA position 590, T replaced by C.
Protein change: p.Ile197Thr; replaces isoleucine 197 with threonine.
Molecular consequence: missense variant.
Genome position (GRCh38, 1-based): chr1:161,168,550, T>C. VCF-style: chr1-161168550-T-C. GRCh37 (hg19) VCF-style: chr1-161138340-T-C.
Other names: c.590T>C, p.Ile197Thr (NM_000309.5, NM_001365398.1, NM_001365399.1); c.491T>C, p.Ile164Thr (NM_001350128.2); c.182T>C, p.Ile61Thr (NM_001350129.2, NM_001365400.1); c.104T>C, p.Ile35Thr (NM_001350130.2, NM_001350131.2, NM_001365401.1); short protein forms I197T, I35T, I164T, I61T.
Identifiers: ClinVar variation 441069 (VCV000441069.6), dbSNP rs1553238545, ClinGen allele CA343354060.

ClinVar aggregate classification (germline): Uncertain significance (1 of 4 stars; one submission).

Conditions:
Acute intermittent porphyria (AIP). Also called: HMBS deficiency; Hydroxymethylbilane Synthase Deficiency; Acute Porphyria; Acute intermittent porphyria (autosomal dominant); PBGD DEFICIENCY; PORPHOBILINOGEN DEAMINASE DEFICIENCY. Identifiers: Orphanet 79276, MedGen C0162565, MONDO:0008294, OMIM 176000.

Allele frequency attached by ClinVar (database versions not stated): gnomAD exomes below 0.00001.

Submission:

Labcorp Genetics (formerly Invitae), Labcorp
Classification: Uncertain significance. Last evaluated: 2024-03-22. Review status: criteria provided, single submitter. Criteria: Invitae Variant Classification Sherloc (09022015). Collection method: clinical testing. Allele origin: germline.
Comment: This sequence change replaces isoleucine, which is neutral and non-polar, with threonine, which is neutral and polar, at codon 197 of the PPOX protein (p.Ile197Thr). This variant is not present in population databases (gnomAD no frequency). This variant has not been reported in the literature in individuals affected with PPOX-related conditions. ClinVar contains an entry for this variant (Variation ID: 441069). Advanced modeling of protein sequence and biophysical properties (such as structural, functional, and spatial information, amino acid conservation, physicochemical variation, residue mobility, and thermodynamic stability) performed at Invitae indicates that this missense variant is not expected to disrupt PPOX protein function with a negative predictive value of 80%. In summary, the available evidence is currently insufficient to determine the role of this variant in disease. Therefore, it has been classified as a Variant of Uncertain Significance.